The following is an entry in ClinVar:

NM_173689.7(CRB2):c.103C>T (p.Pro35Ser)

Gene: CRB2 (crumbs cell polarity complex component 2; plus strand). Cytogenetic location: 9q33.3.
Variant type: single nucleotide variant.
Coding change: c.103C>T on transcript NM_173689.7 (MANE Select); coding-DNA position 103, C replaced by T.
Protein change: p.Pro35Ser; replaces proline 35 with serine.
Molecular consequence: missense variant.
Genome position (GRCh38, 1-based): chr9:123,362,873, C>T. VCF-style: chr9-123362873-C-T. GRCh37 (hg19) VCF-style: chr9-126125152-C-T.
Other names: short protein forms P35S.
Identifiers: ClinVar variation 1374414 (VCV001374414.6), dbSNP rs763874725, ClinGen allele CA374853149.

ClinVar aggregate classification (germline): Uncertain significance (1 of 4 stars; one submission).

gnomAD v4.1: 2 of 1,578,944 alleles (0.00013%); highest among the groups gnomAD compares: Non-Finnish European, 0.00017%; no homozygotes.

Submission:

Labcorp Genetics (formerly Invitae), Labcorp
Classification: Uncertain significance. Last evaluated: 2021-11-30. Review status: criteria provided, single submitter. Criteria: Invitae Variant Classification Sherloc (09022015). Collection method: clinical testing. Allele origin: germline.
Comment: Advanced modeling of protein sequence and biophysical properties (such as structural, functional, and spatial information, amino acid conservation, physicochemical variation, residue mobility, and thermodynamic stability) performed at Invitae indicates that this missense variant is not expected to disrupt CRB2 protein function. In summary, the available evidence is currently insufficient to determine the role of this variant in disease. Therefore, it has been classified as a Variant of Uncertain Significance. This variant has not been reported in the literature in individuals affected with CRB2-related conditions. This variant is not present in population databases (gnomAD no frequency). This sequence change replaces proline, which is neutral and non-polar, with serine, which is neutral and polar, at codon 35 of the CRB2 protein (p.Pro35Ser).